The following is an entry in ClinVar:

ClinVar aggregate classification (germline): Pathogenic (1 of 4 stars; one submission).

Conditions:
Curry-Hall syndrome (WAD). Also called: WEYERS ACRODENTAL DYSOSTOSIS. Identifiers: Orphanet 952, MedGen C0457013, MONDO:0008673, OMIM 193530.
Ellis-van Creveld syndrome (EVC). Also called: MESOECTODERMAL DYSPLASIA; EVC-Related Ellis-van Creveld Syndrome; EVC2-Related Ellis-van Creveld Syndrome; Chondroectodermal dysplasia. Identifiers: Orphanet 289, MedGen C0013903, MONDO:0009162, OMIM 225500.

Submission:

Labcorp Genetics (formerly Invitae), Labcorp
Classification: Pathogenic for Curry-Hall syndrome; Ellis-van Creveld syndrome. Last evaluated: 2022-08-22. Review status: criteria provided, single submitter. Criteria: Invitae Variant Classification Sherloc (09022015). Collection method: clinical testing. Allele origin: germline.
Comment: For these reasons, this variant has been classified as Pathogenic. This premature translational stop signal has been observed in individual(s) with Ellis-van Creveld syndrome (PMID: 19810119). This variant is not present in population databases (gnomAD no frequency). This sequence change creates a premature translational stop signal (p.Ile237Tyrfs*5) in the EVC gene. It is expected to result in an absent or disrupted protein product. Loss-of-function variants in EVC are known to be pathogenic (PMID: 23220543).

Literature cited by the submitters: PubMed 19810119; PubMed 23220543.

NM_153717.3(EVC):c.708dup (p.Ile237fs)

Gene: EVC (EvC ciliary complex subunit 1; plus strand). Cytogenetic location: 4p16.2.
Variant type: Duplication.
Coding change: c.708dup on transcript NM_153717.3 (MANE Select); coding-DNA position 708, one base duplicated (T; older notation c.708dupT).
Protein change: p.Ile237fs; shifts the reading frame from isoleucine 237.
Molecular consequence: frameshift variant.
Genome position (GRCh38, 1-based): chr4:5,741,721, T duplicated; the last of 3 consecutive T bases (chr4:5,741,719-5,741,721); duplicating any one gives the same sequence. VCF-style (leftmost placement, unchanged base first): chr4-5741718-G-GT. GRCh37 (hg19) VCF-style: chr4-5743445-G-GT.
Other names: c.708dup, p.Ile237fs (NM_001306090.2, NM_001306092.2); short protein forms I237fs.
Identifiers: ClinVar variation 2203508 (VCV002203508.4), dbSNP rs2474944725, ClinGen allele CA2580070791.
Genomic context (GRCh38, chr4:5,741,718, plus strand): 5'-AGACAAAAATACCATTGATTAAACTTTTCTTTTGTTATCTTTCCTTTCTTGGCAATAGAT[G>GT]TTTATTCAGATTTTTAAAATGTGCCTCCTTGACCTTCTTCCTAAAAAGAAGTCAGATGAT-3'